The following is an entry in ClinVar:

ClinVar aggregate classification (germline): Uncertain significance (1 of 4 stars; one submission).

Conditions:
Neuronal ceroid lipofuscinosis. Also called: Neuronal Ceroid Lipofuscinoses. Identifiers: Orphanet 216, Orphanet 79263, MedGen C0027877, MONDO:0016295. Disease mechanism: loss of function.

Allele frequency attached by ClinVar (database versions not stated): gnomAD exomes below 0.00001; TOPMed 0.00001.
gnomAD v4.1: 2 of 1,613,592 alleles (0.00012%); highest among the groups gnomAD compares: Non-Finnish European, 0.00017%; no homozygotes.

Submission:

Labcorp Genetics (formerly Invitae), Labcorp
Classification: Uncertain significance for Neuronal ceroid lipofuscinosis. Last evaluated: 2021-04-13. Review status: criteria provided, single submitter. Criteria: Invitae Variant Classification Sherloc (09022015). Collection method: clinical testing. Allele origin: germline.
Comment: In summary, the available evidence is currently insufficient to determine the role of this variant in disease. Therefore, it has been classified as a Variant of Uncertain Significance. Algorithms developed to predict the effect of missense changes on protein structure and function (SIFT, PolyPhen-2, Align-GVGD) all suggest that this variant is likely to be tolerated, but these predictions have not been confirmed by published functional studies and their clinical significance is uncertain. This variant has not been reported in the literature in individuals with DNAJC5-related conditions. This variant is not present in population databases (ExAC no frequency). This sequence change replaces leucine with phenylalanine at codon 116 of the DNAJC5 protein (p.Leu116Phe). The leucine residue is moderately conserved and there is a small physicochemical difference between leucine and phenylalanine.

NM_025219.3(DNAJC5):c.346C>T (p.Leu116Phe)

Gene: DNAJC5 (DnaJ heat shock protein family (Hsp40) member C5; plus strand). Cytogenetic location: 20q13.33.
Variant type: single nucleotide variant.
Coding change: c.346C>T on transcript NM_025219.3 (MANE Select); coding-DNA position 346, C replaced by T.
Protein change: p.Leu116Phe; replaces leucine 116 with phenylalanine.
Molecular consequence: missense variant.
Genome position (GRCh38, 1-based): chr20:63,930,875, C>T. VCF-style: chr20-63930875-C-T. GRCh37 (hg19) VCF-style: chr20-62562228-C-T.
Other names: short protein forms L116F.
Identifiers: ClinVar variation 1433552 (VCV001433552.8), dbSNP rs2053663677, ClinGen allele CA409718485.